The following is an entry in ClinVar:

ClinVar aggregate classification (germline): Uncertain significance (1 of 4 stars; one submission).

Conditions:
Greig cephalopolysyndactyly syndrome (GCPS). Also called: POLYSYNDACTYLY WITH PECULIAR SKULL SHAPE; Greig syndrome; GLI3-Related Greig Cephalopolysyndactyly Syndrome. Identifiers: Orphanet 380, MedGen C0265306, MONDO:0008287, OMIM 175700.
Pallister-Hall syndrome (PHS). Also called: HYPOTHALAMIC HAMARTOBLASTOMA, HYPOPITUITARISM, IMPERFORATE ANUS, AND POSTAXIAL POLYDACTYLY; GLI3-Related Pallister-Hall Syndrome. Identifiers: Orphanet 672, MedGen C0265220, MONDO:0007804, OMIM 146510.

Submission:

Labcorp Genetics (formerly Invitae), Labcorp
Classification: Uncertain significance for Pallister-Hall syndrome; Greig cephalopolysyndactyly syndrome. Last evaluated: 2022-09-27. Review status: criteria provided, single submitter. Criteria: Invitae Variant Classification Sherloc (09022015). Collection method: clinical testing. Allele origin: germline.
Comment: Advanced modeling of protein sequence and biophysical properties (such as structural, functional, and spatial information, amino acid conservation, physicochemical variation, residue mobility, and thermodynamic stability) performed at Invitae indicates that this missense variant is not expected to disrupt GLI3 protein function. In summary, the available evidence is currently insufficient to determine the role of this variant in disease. Therefore, it has been classified as a Variant of Uncertain Significance. This variant has not been reported in the literature in individuals affected with GLI3-related conditions. This sequence change replaces glycine, which is neutral and non-polar, with aspartic acid, which is acidic and polar, at codon 1306 of the GLI3 protein (p.Gly1306Asp). This variant is not present in population databases (gnomAD no frequency).

NM_000168.6(GLI3):c.3917G>A (p.Gly1306Asp)

Gene: GLI3 (GLI family zinc finger 3; minus strand). Cytogenetic location: 7p14.1.
Variant type: single nucleotide variant.
Coding change: c.3917G>A on transcript NM_000168.6 (MANE Select); coding-DNA position 3917, G replaced by A.
Protein change: p.Gly1306Asp; replaces glycine 1306 with aspartic acid.
Molecular consequence: missense variant.
Genome position (GRCh38, 1-based): chr7:41,965,156, C>T on the plus strand (G>A on the coding strand, the complement: GLI3 is on the minus strand). VCF-style: chr7-41965156-C-T. GRCh37 (hg19) VCF-style: chr7-42004754-C-T.
Other names: short protein forms G1306D.
Identifiers: ClinVar variation 1720434 (VCV001720434.5), dbSNP rs2484367937, ClinGen allele CA367316167.